The following is an entry in ClinVar:

NM_004840.3(ARHGEF6):c.1665A>G (p.Ser555=)

Gene: ARHGEF6 (Rac/Cdc42 guanine nucleotide exchange factor 6; minus strand). Cytogenetic location: Xq26.3.
Variant type: single nucleotide variant.
Coding change: c.1665A>G on transcript NM_004840.3 (MANE Select); coding-DNA position 1665, A replaced by G.
Protein change: p.Ser555=; no amino-acid change (serine 555 retained).
Molecular consequence: synonymous variant.
Genome position (GRCh38, 1-based): chrX:136,680,770, T>C on the plus strand (A>G on the coding strand, the complement: ARHGEF6 is on the minus strand). VCF-style: chrX-136680770-T-C. GRCh37 (hg19) VCF-style: chrX-135762929-T-C.
Other names: c.1203A>G, p.Ser401= (NM_001306177.2).
Identifiers: ClinVar variation 3039651 (VCV003039651.2), dbSNP rs766570806, ClinGen allele CA10528345.

ClinVar aggregate classification (germline): Likely benign (0 of 4 stars; one submission).

Conditions:
ARHGEF6-related disorder. Also called: ARHGEF6-related condition.

Allele frequency attached by ClinVar (database versions not stated): gnomAD exomes below 0.00001; TOPMed below 0.00001; gnomAD 0.00001; ExAC 0.00002.
gnomAD v4.1: 13 of 1,210,260 alleles (0.0011%); highest among the groups gnomAD compares: East Asian, 0.012%; no homozygotes.

Submission:

PreventionGenetics, part of Exact Sciences
Classification: Likely benign for ARHGEF6-related condition. Last evaluated: 2019-05-28. Review status: no assertion criteria provided. Collection method: clinical testing. Allele origin: germline.
Comment: This variant is classified as likely benign based on ACMG/AMP sequence variant interpretation guidelines (Richards et al. 2015 PMID: 25741868, with internal and published modifications).